The following is an entry in ClinVar:

NM_022437.3(ABCG8):c.31C>G (p.Leu11Val)

Genes: ABCG5 (ATP binding cassette subfamily G member 5; minus strand), ABCG8 (ATP binding cassette subfamily G member 8; plus strand). Cytogenetic location: 2p21.
Variant type: single nucleotide variant.
Coding change: c.31C>G on transcript NM_022437.3 (MANE Select); coding-DNA position 31, C replaced by G.
Protein change: p.Leu11Val; replaces leucine 11 with valine.
Molecular consequence: missense variant.
Genome position (GRCh38, 1-based): chr2:43,839,084, C>G. VCF-style: chr2-43839084-C-G. GRCh37 (hg19) VCF-style: chr2-44066223-C-G.
Other names: c.31C>G, p.Leu11Val (NM_001357321.2); short protein forms L11V.
Identifiers: ClinVar variation 1728781 (VCV001728781.5), dbSNP rs1016895349, ClinGen allele CA46426888.

ClinVar aggregate classification (germline): Uncertain significance. Review status: criteria provided, multiple submitters, no conflicts (2 of 4 stars). 2 submissions from 2 submitters: Uncertain significance (2). Last evaluated 2026-04-29.

Conditions:
Cardiovascular phenotype. Identifiers: MedGen CN230736.
ABCG8-related disorder. Also called: ABCG8-related condition.

Allele frequency attached by ClinVar (database versions not stated): gnomAD 0.00001; TOPMed 0.00002.
gnomAD v4.1: 6 of 1,551,142 alleles (0.00039%); highest among the groups gnomAD compares: African/African-American, 0.0082%; no homozygotes.

Submissions (2):

PreventionGenetics, part of Exact Sciences
Classification: Uncertain significance for ABCG8-related condition. Last evaluated: 2026-04-29. Review status: criteria provided, single submitter. Criteria: ACMG Guidelines, 2015. Collection method: clinical testing. Allele origin: germline.
Comment: The ABCG8 c.31C>G variant is predicted to result in the amino acid substitution p.Leu11Val. To our knowledge, this variant has not been reported in the literature or in a large population database (gnomAD), indicating this variant is rare. At this time, the clinical significance of this variant is uncertain due to the absence of conclusive functional and genetic evidence.

Ambry Genetics
Classification: Uncertain significance for Cardiovascular phenotype. Last evaluated: 2024-08-16. Review status: criteria provided, single submitter. Criteria: Ambry Variant Classification Scheme 2023. Collection method: clinical testing. Allele origin: germline.
Comment: The p.L11V variant (also known as c.31C>G), located in coding exon 1 of the ABCG8 gene, results from a C to G substitution at nucleotide position 31. The leucine at codon 11 is replaced by valine, an amino acid with highly similar properties. This amino acid position is conserved. In addition, this alteration is predicted to be tolerated by in silico analysis. Since supporting evidence is limited at this time, the clinical significance of this alteration remains unclear.